The following is an entry in ClinVar:

ClinVar aggregate classification (germline): Pathogenic (1 of 4 stars; one submission).

Conditions:
Duchenne muscular dystrophy (DMD). Also called: Duchenne Muscular Dystrophy (DMD); MUSCULAR DYSTROPHY, PSEUDOHYPERTROPHIC PROGRESSIVE, DUCHENNE TYPE. Identifiers: Orphanet 98896, MedGen C0013264, MONDO:0010679, OMIM 310200.

Submission:

Labcorp Genetics (formerly Invitae), Labcorp
Classification: Pathogenic for Duchenne muscular dystrophy. Last evaluated: 2024-09-21. Review status: criteria provided, single submitter. Criteria: Invitae Variant Classification Sherloc (09022015). Collection method: clinical testing. Allele origin: germline.
Comment: This sequence change creates a premature translational stop signal (p.Trp1029*) in the DMD gene. It is expected to result in an absent or disrupted protein product. Loss-of-function variants in DMD are known to be pathogenic (PMID: 16770791, 25007885). This variant is not present in population databases (gnomAD no frequency). This premature translational stop signal has been observed in individual(s) with Becker/Duchenne muscular dystrophy (PMID: 17259292). For these reasons, this variant has been classified as Pathogenic.

Literature cited by the submitters: PubMed 16770791; PubMed 25007885; PubMed 17259292.

NM_004006.3(DMD):c.3086G>A (p.Trp1029Ter)

Gene: DMD (dystrophin; minus strand). Cytogenetic location: Xp21.1.
Variant type: single nucleotide variant.
Coding change: c.3086G>A on transcript NM_004006.3 (MANE Select); coding-DNA position 3086, G replaced by A.
Protein change: p.Trp1029Ter; replaces tryptophan 1029 with a stop codon.
Molecular consequence: nonsense.
Genome position (GRCh38, 1-based): chrX:32,468,574, C>T on the plus strand (G>A on the coding strand, the complement: DMD is on the minus strand). VCF-style: chrX-32468574-C-T. GRCh37 (hg19) VCF-style: chrX-32486691-C-T.
Other names: c.3062G>A, p.Trp1021Ter (NM_000109.4); c.3074G>A, p.Trp1025Ter (NM_004009.3); c.2717G>A, p.Trp906Ter (NM_004010.3); short protein forms W1021*, W1025*, W1029*, W906*.
Identifiers: ClinVar variation 3724172 (VCV003724172.2), dbSNP rs779485493.